The following is an entry in ClinVar:

NM_000136.3(FANCC):c.1087C>G (p.His363Asp)

Genes: AOPEP (aminopeptidase O (putative); plus strand), FANCC (FA complementation group C; minus strand). Cytogenetic location: 9q22.32.
Variant type: single nucleotide variant.
Coding change: c.1087C>G on transcript NM_000136.3 (MANE Select); coding-DNA position 1087, C replaced by G.
Protein change: p.His363Asp; replaces histidine 363 with aspartic acid.
Molecular consequence: missense variant.
Genome position (GRCh38, 1-based): chr9:95,114,696, G>C on the plus strand (C>G on the coding strand, the complement: FANCC is on the minus strand). VCF-style: chr9-95114696-G-C. GRCh37 (hg19) VCF-style: chr9-97876978-G-C.
Other names: c.1087C>G, p.His363Asp (NM_001243743.2, NM_001243744.2); short protein forms H363D.
Identifiers: ClinVar variation 1461258 (VCV001461258.8), dbSNP rs2134632030, ClinGen allele CA374108049.

ClinVar aggregate classification (germline): Uncertain significance (1 of 4 stars; one submission).

Conditions:
Fanconi anemia (FA). Also called: Fanconi's anemia. Identifiers: Orphanet 84, MedGen C0015625, MeSH D005199, MONDO:0019391.

Submission:

Labcorp Genetics (formerly Invitae), Labcorp
Classification: Uncertain significance for Fanconi anemia. Last evaluated: 2021-04-11. Review status: criteria provided, single submitter. Criteria: Invitae Variant Classification Sherloc (09022015). Collection method: clinical testing. Allele origin: germline.
Comment: In summary, the available evidence is currently insufficient to determine the role of this variant in disease. Therefore, it has been classified as a Variant of Uncertain Significance. Algorithms developed to predict the effect of missense changes on protein structure and function (SIFT, PolyPhen-2, Align-GVGD) all suggest that this variant is likely to be tolerated, but these predictions have not been confirmed by published functional studies and their clinical significance is uncertain. This variant has not been reported in the literature in individuals with FANCC-related conditions. This variant is not present in population databases (ExAC no frequency). This sequence change replaces histidine with aspartic acid at codon 363 of the FANCC protein (p.His363Asp). The histidine residue is weakly conserved and there is a moderate physicochemical difference between histidine and aspartic acid.